The following is an entry in ClinVar:

NM_014975.3(MAST1):c.2492G>T (p.Gly831Val)

Genes: MAST1 (microtubule associated serine/threonine kinase 1; plus strand), LOC112543452 (Sharpr-MPRA regulatory region 6054; plus strand). Cytogenetic location: 19p13.13.
Variant type: single nucleotide variant.
Coding change: c.2492G>T on transcript NM_014975.3 (MANE Select); coding-DNA position 2492, G replaced by T.
Protein change: p.Gly831Val; replaces glycine 831 with valine.
Molecular consequence: missense variant.
Genome position (GRCh38, 1-based): chr19:12,867,903, G>T. VCF-style: chr19-12867903-G-T. GRCh37 (hg19) VCF-style: chr19-12978717-G-T.
Other names: c.2492G>T (NM_014975.2); short protein forms G831V.
Identifiers: ClinVar variation 2075193 (VCV002075193.5), dbSNP rs369276612, ClinGen allele CA9233158.

ClinVar aggregate classification (germline): Conflicting classifications of pathogenicity. Review status: criteria provided, conflicting classifications (1 of 4 stars). 2 submissions from 2 submitters: Uncertain significance (1); Likely benign (1). Last evaluated 2025-08-28.

Conditions:
Inborn genetic diseases. Identifiers: MedGen C0950123, MeSH D030342.

gnomAD v4.1: 11 of 1,604,394 alleles (0.00069%); highest among the groups gnomAD compares: Admixed American, 0.019%; no homozygotes.

Submissions (2):

Ambry Genetics
Classification: Likely benign for Inborn genetic diseases. Last evaluated: 2025-08-28. Review status: criteria provided, single submitter. Criteria: Ambry Variant Classification Scheme 2023. Collection method: clinical testing. Allele origin: germline.

Labcorp Genetics (formerly Invitae), Labcorp
Classification: Uncertain significance. Last evaluated: 2023-12-06. Review status: criteria provided, single submitter. Criteria: Invitae Variant Classification Sherloc (09022015). Collection method: clinical testing. Allele origin: germline.
Comment: This sequence change replaces glycine, which is neutral and non-polar, with valine, which is neutral and non-polar, at codon 831 of the MAST1 protein (p.Gly831Val). This variant is present in population databases (rs369276612, gnomAD 0.03%). This variant has not been reported in the literature in individuals affected with MAST1-related conditions. ClinVar contains an entry for this variant (Variation ID: 2075193). An algorithm developed to predict the effect of missense changes on protein structure and function (PolyPhen-2) suggests that this variant is likely to be tolerated. In summary, the available evidence is currently insufficient to determine the role of this variant in disease. Therefore, it has been classified as a Variant of Uncertain Significance.